The following is an entry in ClinVar:

ClinVar aggregate classification (germline): Uncertain significance (1 of 4 stars; one submission).

Conditions:
Glycine encephalopathy. Also called: Non-ketotic hyperglycinemia; Nonketotic hyperglycinemia. Identifiers: Orphanet 407, MedGen C0751748, MONDO:0011612, HP:0008288.

Allele frequency attached by ClinVar (database versions not stated): gnomAD exomes below 0.00001.
gnomAD v4.1: 1 of 1,600,312 alleles (0.000062%); highest among the groups gnomAD compares: Non-Finnish European, 0.000086%; no homozygotes.

Submission:

Labcorp Genetics (formerly Invitae), Labcorp
Classification: Uncertain significance for Glycine encephalopathy. Last evaluated: 2022-05-04. Review status: criteria provided, single submitter. Criteria: Invitae Variant Classification Sherloc (09022015). Collection method: clinical testing. Allele origin: germline.
Comment: This sequence change replaces glutamic acid, which is acidic and polar, with glycine, which is neutral and non-polar, at codon 967 of the GLDC protein (p.Glu967Gly). This variant is not present in population databases (gnomAD no frequency). This variant has not been reported in the literature in individuals affected with GLDC-related conditions. Advanced modeling of protein sequence and biophysical properties (such as structural, functional, and spatial information, amino acid conservation, physicochemical variation, residue mobility, and thermodynamic stability) performed at Invitae indicates that this missense variant is expected to disrupt GLDC protein function. In summary, the available evidence is currently insufficient to determine the role of this variant in disease. Therefore, it has been classified as a Variant of Uncertain Significance.

NM_000170.3(GLDC):c.2900A>G (p.Glu967Gly)

Gene: GLDC (glycine decarboxylase; minus strand). Cytogenetic location: 9p24.1.
Variant type: single nucleotide variant.
Coding change: c.2900A>G on transcript NM_000170.3 (MANE Select); coding-DNA position 2900, A replaced by G.
Protein change: p.Glu967Gly; replaces glutamic acid 967 with glycine.
Molecular consequence: missense variant.
Genome position (GRCh38, 1-based): chr9:6,534,727, T>C on the plus strand (A>G on the coding strand, the complement: GLDC is on the minus strand). VCF-style: chr9-6534727-T-C. GRCh37 (hg19) VCF-style: chr9-6534727-T-C.
Other names: short protein forms E967G.
Identifiers: ClinVar variation 2165114 (VCV002165114.1), dbSNP rs2489008751, ClinGen allele CA372882040.